The following is an entry in ClinVar:

NM_058179.4(PSAT1):c.664C>T (p.Arg222Ter)

Gene: PSAT1 (phosphoserine aminotransferase 1; plus strand). Cytogenetic location: 9q21.2.
Variant type: single nucleotide variant.
Coding change: c.664C>T on transcript NM_058179.4 (MANE Select); coding-DNA position 664, C replaced by T.
Protein change: p.Arg222Ter; replaces arginine 222 with a stop codon.
Molecular consequence: nonsense.
Genome position (GRCh38, 1-based): chr9:78,308,507, C>T. VCF-style: chr9-78308507-C-T. GRCh37 (hg19) VCF-style: chr9-80923423-C-T.
Other names: c.664C>T, p.Arg222Ter (NM_021154.5); short protein forms R222*.
Identifiers: ClinVar variation 1404307 (VCV001404307.6), dbSNP rs765723196, ClinGen allele CA5095683.
Genomic context (GRCh38, chr9:78,308,507, plus strand): 5'-GTTGGCTCTGCTGGGGTCACCGTGGTGATTGTCCGTGATGACCTGCTGGGGTTTGCCCTC[C>T]GAGAGTGCCCCTCGGTCCTGGAATACAAGGTGCAGGCTGGAAACAGCTCCTTGTACAACA-3'

ClinVar aggregate classification (germline): Pathogenic/Likely pathogenic. Review status: criteria provided, multiple submitters, no conflicts (2 of 4 stars). 2 submissions from 2 submitters: Pathogenic (1); Likely pathogenic (1). Last evaluated 2025-09-17.

Conditions:
Neu-Laxova syndrome 2. Identifiers: Orphanet 2671, Orphanet 583602, MedGen C4015019, MONDO:0014466, OMIM 616038.
PSAT deficiency. Identifiers: Orphanet 284417, MedGen C1970253, MONDO:0012596, OMIM 610992.

Allele frequency attached by ClinVar (database versions not stated): gnomAD exomes 0.00001 and 0.00002; TOPMed 0.00001; ExAC 0.00003.
gnomAD v4.1: 8 of 1,614,066 alleles (0.0005%); highest among the groups gnomAD compares: South Asian, 0.0011%; no homozygotes.

Submissions (2):

First Genomix Gene Laboratory, Genetic Diagnostics Department
Classification: Likely pathogenic for PSAT deficiency; Neu-Laxova syndrome 2. Last evaluated: 2025-09-17. Review status: criteria provided, single submitter. Criteria: ACMG Guidelines, 2015. Collection method: clinical testing. Allele origin: germline. Inheritance: Autosomal recessive inheritance. Affected: no. Observed: 1 variant allele.

Labcorp Genetics (formerly Invitae), Labcorp
Classification: Pathogenic for Neu-Laxova syndrome 2. Last evaluated: 2024-05-23. Review status: criteria provided, single submitter. Criteria: Invitae Variant Classification Sherloc (09022015). Collection method: clinical testing. Allele origin: germline.
Comment: This sequence change creates a premature translational stop signal (p.Arg222*) in the PSAT1 gene. It is expected to result in an absent or disrupted protein product. Loss-of-function variants in PSAT1 are known to be pathogenic (PMID: 17436247, 25152457). This variant is present in population databases (rs765723196, gnomAD 0.004%). This variant has not been reported in the literature in individuals affected with PSAT1-related conditions. ClinVar contains an entry for this variant (Variation ID: 1404307). For these reasons, this variant has been classified as Pathogenic.

Literature cited by the submitters: PubMed 17436247 (cited by Labcorp Genetics (formerly Invitae), Labcorp); PubMed 25152457 (cited by Labcorp Genetics (formerly Invitae), Labcorp).